The following is an entry in ClinVar:

ClinVar aggregate classification (germline): Uncertain significance (0 of 4 stars; one submission).

Conditions:
KCNA3-related disorder. Also called: KCNA3-related condition.

Submission:

PreventionGenetics, part of Exact Sciences
Classification: Uncertain significance for KCNA3-related condition. Last evaluated: 2024-02-26. Review status: no assertion criteria provided. Collection method: clinical testing. Allele origin: germline.
Comment: The KCNA3 c.1192C>G variant is predicted to result in the amino acid substitution p.Leu398Val. To our knowledge, this variant has not been reported in the literature or in a large population database, indicating this variant is rare. At this time, the clinical significance of this variant is uncertain due to the absence of conclusive functional and genetic evidence.

NM_002232.5(KCNA3):c.1192C>G (p.Leu398Val)

Gene: KCNA3 (potassium voltage-gated channel subfamily A member 3; minus strand). Cytogenetic location: 1p13.3.
Variant type: single nucleotide variant.
Coding change: c.1192C>G on transcript NM_002232.5 (MANE Select); coding-DNA position 1192, C replaced by G.
Protein change: p.Leu398Val; replaces leucine 398 with valine.
Molecular consequence: missense variant.
Genome position (GRCh38, 1-based): chr1:110,673,618, G>C on the plus strand (C>G on the coding strand, the complement: KCNA3 is on the minus strand). VCF-style: chr1-110673618-G-C. GRCh37 (hg19) VCF-style: chr1-111216240-G-C.
Other names: short protein forms L398V.
Identifiers: ClinVar variation 3061241 (VCV003061241.2), dbSNP rs2524761675, ClinGen allele CA341809127.